The following is an entry in ClinVar:

ClinVar aggregate classification (germline): Benign (0 of 4 stars; one submission).

Conditions:
PRR12-related disorder. Also called: PRR12-related condition.

Allele frequency attached by ClinVar (database versions not stated): ExAC 0.00050; gnomAD 0.00142; 1000 Genomes Project 30x 0.00156; 1000 Genomes Project 0.00160; TOPMed 0.00161; ESP Exome Variant Server 0.00166.

Submission:

PreventionGenetics, part of Exact Sciences
Classification: Benign for PRR12-related condition. Last evaluated: 2023-04-25. Review status: no assertion criteria provided. Collection method: clinical testing. Allele origin: germline.
Comment: This variant is classified as benign based on ACMG/AMP sequence variant interpretation guidelines (Richards et al. 2015 PMID: 25741868, with internal and published modifications).

NM_020719.3(PRR12):c.4014C>T (p.Ser1338=)

Gene: PRR12 (proline rich 12; plus strand). Cytogenetic location: 19q13.33.
Variant type: single nucleotide variant.
Coding change: c.4014C>T on transcript NM_020719.3 (MANE Select); coding-DNA position 4014, C replaced by T.
Protein change: p.Ser1338=; no amino-acid change (serine 1338 retained).
Molecular consequence: synonymous variant.
Genome position (GRCh38, 1-based): chr19:49,599,607, C>T. VCF-style: chr19-49599607-C-T. GRCh37 (hg19) VCF-style: chr19-50102864-C-T.
Identifiers: ClinVar variation 3045261 (VCV003045261.2), dbSNP rs199558094, ClinGen allele CA9578399.